The following is an entry in ClinVar:

NM_001040108.2(MLH3):c.827G>T (p.Ser276Ile)

Gene: MLH3 (mutL homolog 3; minus strand). Cytogenetic location: 14q24.3.
Variant type: single nucleotide variant.
Coding change: c.827G>T on transcript NM_001040108.2 (MANE Select); coding-DNA position 827, G replaced by T.
Protein change: p.Ser276Ile; replaces serine 276 with isoleucine.
Molecular consequence: missense variant.
Genome position (GRCh38, 1-based): chr14:75,048,829, C>A on the plus strand (G>T on the coding strand, the complement: MLH3 is on the minus strand). VCF-style: chr14-75048829-C-A. GRCh37 (hg19) VCF-style: chr14-75515532-C-A.
Other names: c.827G>T, p.Ser276Ile (NM_014381.3); short protein forms S276I.
Identifiers: ClinVar variation 4055521 (VCV004055521.1).

ClinVar aggregate classification (germline): Uncertain significance (1 of 4 stars; one submission).

gnomAD v4.1: 1 of 1,614,018 alleles (0.000062%); highest among the groups gnomAD compares: Non-Finnish European, 0.000085%; no homozygotes.

Submission:

Ambry Genetics
Classification: Uncertain significance. Last evaluated: 2025-06-06. Review status: criteria provided, single submitter. Criteria: Ambry Variant Classification Scheme 2023. Collection method: clinical testing. Allele origin: germline.
Comment: The p.S276I variant (also known as c.827G>T), located in coding exon 1 of the MLH3 gene, results from a G to T substitution at nucleotide position 827. The serine at codon 276 is replaced by isoleucine, an amino acid with dissimilar properties. This amino acid position is conserved. In addition, this alteration is predicted to be deleterious by in silico analysis. Based on the available evidence, the clinical significance of this variant remains unclear.